The following is an entry in ClinVar:

NM_024989.4(PGAP1):c.790A>G (p.Ser264Gly)

Gene: PGAP1 (post-GPI attachment to proteins inositol deacylase 1; minus strand). Cytogenetic location: 2q33.1.
Variant type: single nucleotide variant.
Coding change: c.790A>G on transcript NM_024989.4 (MANE Select); coding-DNA position 790, A replaced by G.
Protein change: p.Ser264Gly; replaces serine 264 with glycine.
Molecular consequence: missense variant. On other transcripts: 5 prime UTR variant (1).
Genome position (GRCh38, 1-based): chr2:196,902,602, T>C on the plus strand (A>G on the coding strand, the complement: PGAP1 is on the minus strand). VCF-style: chr2-196902602-T-C. GRCh37 (hg19) VCF-style: chr2-197767326-T-C.
Other names: c.268A>G, p.Ser90Gly (NM_001321099.2); c.-322A>G (NM_001321100.2); short protein forms S264G, S90G.
Identifiers: ClinVar variation 2042743 (VCV002042743.1), dbSNP rs541574469, ClinGen allele CA350177645.

ClinVar aggregate classification (germline): Uncertain significance (1 of 4 stars; one submission).

Conditions:
Intellectual disability, autosomal recessive 42 (NEDDSBA). Also called: Neurodevelopmental disorder with dysmorphic features, spasticity, and brain abnormalities; GLYCOSYLPHOSPHATIDYLINOSITOL BIOSYNTHESIS DEFECT 9. Identifiers: Orphanet 88616, MedGen C4014343, MONDO:0014348, OMIM 615802.

Allele frequency attached by ClinVar (database versions not stated): TOPMed below 0.00001.
gnomAD v4.1: 6 of 1,611,346 alleles (0.00037%); highest among the groups gnomAD compares: Non-Finnish European, 0.00042%; no homozygotes.

Submission:

Labcorp Genetics (formerly Invitae), Labcorp
Classification: Uncertain significance for Intellectual disability, autosomal recessive 42. Last evaluated: 2022-06-13. Review status: criteria provided, single submitter. Criteria: Invitae Variant Classification Sherloc (09022015). Collection method: clinical testing. Allele origin: germline.
Comment: This sequence change replaces serine, which is neutral and polar, with glycine, which is neutral and non-polar, at codon 264 of the PGAP1 protein (p.Ser264Gly). This variant is not present in population databases (gnomAD no frequency). This variant has not been reported in the literature in individuals affected with PGAP1-related conditions. Algorithms developed to predict the effect of missense changes on protein structure and function are either unavailable or do not agree on the potential impact of this missense change (SIFT: "Tolerated"; PolyPhen-2: "Possibly Damaging"; Align-GVGD: "Class C0"). In summary, the available evidence is currently insufficient to determine the role of this variant in disease. Therefore, it has been classified as a Variant of Uncertain Significance.